The following is an entry in ClinVar:

NM_030665.4(RAI1):c.1699A>G (p.Lys567Glu)

Gene: RAI1 (retinoic acid induced 1; plus strand). Cytogenetic location: 17p11.2.
Variant type: single nucleotide variant.
Coding change: c.1699A>G on transcript NM_030665.4 (MANE Select); coding-DNA position 1699, A replaced by G.
Protein change: p.Lys567Glu; replaces lysine 567 with glutamic acid.
Molecular consequence: missense variant.
Genome position (GRCh38, 1-based): chr17:17,794,647, A>G. VCF-style: chr17-17794647-A-G. GRCh37 (hg19) VCF-style: chr17-17697961-A-G.
Other names: short protein forms K567E.
Identifiers: ClinVar variation 4996188 (VCV004996188.1).

ClinVar aggregate classification (germline): Uncertain significance (1 of 4 stars; one submission).

Conditions:
RAI1-related disorder. Also called: RAI1-related condition.

Submission:

PreventionGenetics, part of Exact Sciences
Classification: Uncertain significance for RAI1-related condition. Last evaluated: 2025-08-13. Review status: criteria provided, single submitter. Criteria: ACMG Guidelines, 2015. Collection method: clinical testing. Allele origin: germline.
Comment: The RAI1 c.1699A>G variant is predicted to result in the amino acid substitution p.Lys567Glu. To our knowledge, this variant has not been reported in the literature. This variant is reported in 0.00089% of alleles in individuals of European (Non-Finnish) descent in gnomAD. At this time, the clinical significance of this variant is uncertain due to the absence of conclusive functional and genetic evidence.